The following is an entry in ClinVar:

NM_001733.7(C1R):c.533C>T (p.Pro178Leu)

Gene: C1R (complement C1r; minus strand). Cytogenetic location: 12p13.31.
Variant type: single nucleotide variant.
Coding change: c.533C>T on transcript NM_001733.7 (MANE Select); coding-DNA position 533, C replaced by T.
Protein change: p.Pro178Leu; replaces proline 178 with leucine.
Molecular consequence: missense variant.
Genome position (GRCh38, 1-based): chr12:7,089,625, G>A on the plus strand (C>T on the coding strand, the complement: C1R is on the minus strand). VCF-style: chr12-7089625-G-A. GRCh37 (hg19) VCF-style: chr12-7242221-G-A.
Other names: c.575C>T, p.Pro192Leu (NM_001354346.2); short protein forms P178L, P192L.
Identifiers: ClinVar variation 4979592 (VCV004979592.1).

ClinVar aggregate classification (germline): Uncertain significance (1 of 4 stars; one submission).

Conditions:
C1R-related disorder. Also called: C1R-related condition.

gnomAD v4.1: 4 of 780,930 alleles (0.00051%); highest among the groups gnomAD compares: Non-Finnish European, 0.00096%; no homozygotes.

Submission:

PreventionGenetics, part of Exact Sciences
Classification: Uncertain significance for C1R-related condition. Last evaluated: 2025-11-26. Review status: criteria provided, single submitter. Criteria: ACMG Guidelines, 2015. Collection method: clinical testing. Allele origin: germline.
Comment: The C1R c.533C>T variant is predicted to result in the amino acid substitution p.Pro178Leu. To our knowledge, this variant has not been reported in the literature. This variant is reported in 0.00089% of alleles in individuals of European (Non-Finnish) descent in gnomAD. At this time, the clinical significance of this variant is uncertain due to the absence of conclusive functional and genetic evidence.